The following is an entry in ClinVar:

ClinVar aggregate classification (germline): Uncertain significance. Review status: criteria provided, multiple submitters, no conflicts (2 of 4 stars). 2 submissions from 2 submitters: Uncertain significance (2). Last evaluated 2022-01-26.

Conditions:
Donnai-Barrow syndrome. Also called: DBS/FOAR SYNDROME; FACIOOCULOACOUSTICORENAL SYNDROME. Identifiers: Orphanet 2143, MedGen C1857277, MONDO:0009104, OMIM 222448.

Allele frequency attached by ClinVar (database versions not stated): gnomAD 0.00001.
gnomAD v4.1: 17 of 1,613,232 alleles (0.0011%); highest among the groups gnomAD compares: Non-Finnish European, 0.0014%; no homozygotes.

Submissions (2):

Labcorp Genetics (formerly Invitae), Labcorp
Classification: Uncertain significance. Last evaluated: 2022-01-26. Review status: criteria provided, single submitter. Criteria: Invitae Variant Classification Sherloc (09022015). Collection method: clinical testing. Allele origin: germline.
Comment: This sequence change replaces proline, which is neutral and non-polar, with arginine, which is basic and polar, at codon 2192 of the LRP2 protein (p.Pro2192Arg). This variant is present in population databases (rs780008529, gnomAD 0.007%). This variant has not been reported in the literature in individuals affected with LRP2-related conditions. ClinVar contains an entry for this variant (Variation ID: 332144). Advanced modeling of protein sequence and biophysical properties (such as structural, functional, and spatial information, amino acid conservation, physicochemical variation, residue mobility, and thermodynamic stability) performed at Invitae indicates that this missense variant is expected to disrupt LRP2 protein function. Algorithms developed to predict the effect of sequence changes on RNA splicing suggest that this variant may create or strengthen a splice site. In summary, the available evidence is currently insufficient to determine the role of this variant in disease. Therefore, it has been classified as a Variant of Uncertain Significance.

Illumina Laboratory Services, Illumina
Classification: Uncertain significance for Donnai-Barrow syndrome. Last evaluated: 2018-01-13. Review status: criteria provided, single submitter. Criteria: ICSL Variant Classification Criteria 13 December 2019. Collection method: clinical testing. Allele origin: germline.

NM_004525.3(LRP2):c.6575C>G (p.Pro2192Arg)

Gene: LRP2 (LDL receptor related protein 2; minus strand). Cytogenetic location: 2q31.1.
Variant type: single nucleotide variant.
Coding change: c.6575C>G on transcript NM_004525.3 (MANE Select); coding-DNA position 6575, C replaced by G.
Protein change: p.Pro2192Arg; replaces proline 2192 with arginine.
Molecular consequence: missense variant.
Genome position (GRCh38, 1-based): chr2:169,207,145, G>C on the plus strand (C>G on the coding strand, the complement: LRP2 is on the minus strand). VCF-style: chr2-169207145-G-C. GRCh37 (hg19) VCF-style: chr2-170063655-G-C.
Other names: short protein forms P2192R.
Identifiers: ClinVar variation 332144 (VCV000332144.7), dbSNP rs780008529, ClinGen allele CA10612641.
Genomic context (GRCh38, chr2:169,207,145, plus strand): 5'-CTCTGCCCATAGTCAGCCCAGAAGAGGTATCTGTTCTTGGGATCTACAACAATATGCCTA[G>C]GCATGTCCACTGTGACTTTAAGAAGAACACGGCGGTAAGTAGTATTGATCCGCAGAACTT-3'
Protein context (NP_004516.2, residues 2182-2202): RVLLKVTVDM[Pro2192Arg]RHIVVDPKNR